The following is an entry in ClinVar:

ClinVar aggregate classification (germline): Uncertain significance. Review status: criteria provided, multiple submitters, no conflicts (2 of 4 stars). 2 submissions from 2 submitters: Uncertain significance (2). Last evaluated 2025-09-10.

Conditions:
Inborn genetic diseases. Identifiers: MedGen C0950123, MeSH D030342.
Immunodeficiency 104. Also called: Severe combined immunodeficiency, autosomal recessive, T cell-negative, B cell-positive, NK cell-positive; SCID, AUTOSOMAL RECESSIVE, T CELL-NEGATIVE, B CELL-POSITIVE, NK CELL-POSITIVE; Severe Combined Immune Deficiency, Autosomal Recessive, TCell -Negative, B Cell-Positive, NK Cell-Positive, IL7R-Related; IMMUNODEFICIENCY 104, SEVERE COMBINED. Identifiers: MedGen C5676890, MONDO:0012163, OMIM 608971.

Allele frequency attached by ClinVar (database versions not stated): gnomAD 0.00001; TOPMed 0.00001; gnomAD exomes 0.00002 and 0.00003; ExAC 0.00006.
gnomAD v4.1: 30 of 1,612,302 alleles (0.0019%); highest among the groups gnomAD compares: Middle Eastern, 0.099%; no homozygotes.

Submissions (2):

Ambry Genetics
Classification: Uncertain significance for Inborn genetic diseases. Last evaluated: 2025-09-10. Review status: criteria provided, single submitter. Criteria: Ambry Variant Classification Scheme 2023. Collection method: clinical testing. Allele origin: germline.

Labcorp Genetics (formerly Invitae), Labcorp
Classification: Uncertain significance for Immunodeficiency 104. Last evaluated: 2025-01-05. Review status: criteria provided, single submitter. Criteria: Invitae Variant Classification Sherloc (09022015). Collection method: clinical testing. Allele origin: germline.
Comment: This sequence change replaces aspartic acid, which is acidic and polar, with asparagine, which is neutral and polar, at codon 145 of the IL7R protein (p.Asp145Asn). This variant is present in population databases (rs201790329, gnomAD 0.006%). This variant has not been reported in the literature in individuals affected with IL7R-related conditions. ClinVar contains an entry for this variant (Variation ID: 570206). Invitae Evidence Modeling of protein sequence and biophysical properties (such as structural, functional, and spatial information, amino acid conservation, physicochemical variation, residue mobility, and thermodynamic stability) indicates that this missense variant is expected to disrupt IL7R protein function with a positive predictive value of 95%. In summary, the available evidence is currently insufficient to determine the role of this variant in disease. Therefore, it has been classified as a Variant of Uncertain Significance.

NM_002185.5(IL7R):c.433G>A (p.Asp145Asn)

Gene: IL7R (interleukin 7 receptor; plus strand). Cytogenetic location: 5p13.2.
Variant type: single nucleotide variant.
Coding change: c.433G>A on transcript NM_002185.5 (MANE Select); coding-DNA position 433, G replaced by A.
Protein change: p.Asp145Asn; replaces aspartic acid 145 with asparagine.
Molecular consequence: missense variant. On other transcripts: non-coding transcript variant (1).
Genome position (GRCh38, 1-based): chr5:35,871,109, G>A. VCF-style: chr5-35871109-G-A. GRCh37 (hg19) VCF-style: chr5-35871211-G-A.
Other names: c.433G>A (NM_002185.2); short protein forms D145N.
Identifiers: ClinVar variation 570206 (VCV000570206.12), dbSNP rs201790329, ClinGen allele CA3231969.